The following is an entry in ClinVar:

NM_207122.2(EXT2):c.382C>T (p.Arg128Trp)

Gene: EXT2 (exostosin glycosyltransferase 2; plus strand). Cytogenetic location: 11p11.2.
Variant type: single nucleotide variant.
Coding change: c.382C>T on transcript NM_207122.2 (MANE Select); coding-DNA position 382, C replaced by T.
Protein change: p.Arg128Trp; replaces arginine 128 with tryptophan.
Molecular consequence: missense variant.
Genome position (GRCh38, 1-based): chr11:44,108,094, C>T. VCF-style: chr11-44108094-C-T. GRCh37 (hg19) VCF-style: chr11-44129644-C-T.
Other names: p.Arg128Trp; c.481C>T, p.Arg161Trp (NM_000401.3); c.382C>T, p.Arg128Trp (NM_001178083.3, NM_001389628.1, NM_001389630.1); short protein forms R128W, R161W.
Identifiers: ClinVar variation 788070 (VCV000788070.17), dbSNP rs200613371, ClinGen allele CA5954871.

ClinVar aggregate classification (germline): Conflicting classifications of pathogenicity. Review status: criteria provided, conflicting classifications (1 of 4 stars). 5 submissions from 5 submitters: Uncertain significance (3); Likely benign (1). 1 of the submissions does not count toward it. Last evaluated 2025-09-24.

Conditions:
EXT2-related disorder. Also called: EXT2-related condition.
Multiple congenital exostosis (EXT). Also called: Hereditary multiple osteochondromas; Hereditary multiple exostoses; Hereditary multiple exostosis; MULTIPLE CARTILAGINOUS EXOSTOSES; Multiple exostoses; Multiple osteochondromas. Identifiers: Orphanet 321, MedGen C0015306, MONDO:0005508, HP:0002762.
Exostoses, multiple, type 2 (EXT2). Also called: Hereditary Multiple Osteochondromatosis, Type II; EXOSTOSES, MULTIPLE, TYPE II. Identifiers: Orphanet 321, MedGen C1851413, MONDO:0007586, OMIM 133701.
Seizures-scoliosis-macrocephaly syndrome. Also called: SEIZURES, SCOLIOSIS, AND MACROCEPHALY/MICROCEPHALY SYNDROME; Seizures, scoliosis, and macrocephaly syndrome. Identifiers: Orphanet 466926, MedGen C4225248, MONDO:0014731, OMIM 616682.

Allele frequency attached by ClinVar (database versions not stated): gnomAD 0.00004 and 0.00012; TOPMed 0.00006; ESP Exome Variant Server 0.00008; gnomAD exomes 0.00014 and 0.00033; ExAC 0.00038; 1000 Genomes Project 30x 0.00062; 1000 Genomes Project 0.00080.
gnomAD v4.1: 225 of 1,614,162 alleles (0.014%); highest among the groups gnomAD compares: South Asian, 0.18%; 1 homozygote.

Submissions (5):

Labcorp Genetics (formerly Invitae), Labcorp
Classification: Likely benign for Exostoses, multiple, type 2. Last evaluated: 2025-09-24. Review status: criteria provided, single submitter. Criteria: Invitae Variant Classification Sherloc (09022015). Collection method: clinical testing. Allele origin: germline.

Mayo Clinic Laboratories, Mayo Clinic
Classification: Uncertain significance. Last evaluated: 2025-08-25. Review status: criteria provided, single submitter. Criteria: ACMG Guidelines, 2015. Collection method: clinical testing. Allele origin: germline. Observed: 1 variant allele.
Comment: BS1

St. Jude Molecular Pathology, St. Jude Children's Research Hospital
Classification: Uncertain significance for Multiple congenital exostosis. Last evaluated: 2021-11-17. Review status: criteria provided, single submitter. Criteria: St. Jude Assertion Criteria 2020. Collection method: clinical testing. Allele origin: germline.
Comment: The EXT2 c.481C>T (p.Arg161Trp) missense change has a maximum subpopulation frequency of 0.23% in gnomAD v2.1.1. Seven of seven in silico tools predict a deleterious effect of this variant on protein function (PP3), but to our knowledge these predictions have not been confirmed by functional studies. This variant has been reported in an individual with multiple osteochondromas who also harbored a R341S missense variant in EXT1 (BP5; PMID: 26961984). It has also been reported in an individual with hereditary multiple exostoses (PMID: 29126381). In summary, this variant meets criteria to be classified as of uncertain significance based on the ACMG/AMP criteria: PP3, BP5.

Baylor Genetics
Classification: Uncertain significance for Seizures-scoliosis-macrocephaly syndrome. Last evaluated: 2018-01-13. Review status: criteria provided, single submitter. Criteria: ACMG Guidelines, 2015. Collection method: clinical testing. Allele origin: unknown. Affected: yes.
Comment: This variant was determined to be of uncertain significance according to ACMG Guidelines, 2015 [PMID:25741868].

PreventionGenetics, part of Exact Sciences
Classification: Likely benign for EXT2-related condition. Last evaluated: 2020-01-03. Review status: no assertion criteria provided. Collection method: clinical testing. Allele origin: germline. Not counted in ClinVar's aggregate classification.
Comment: This variant is classified as likely benign based on ACMG/AMP sequence variant interpretation guidelines (Richards et al. 2015 PMID: 25741868, with internal and published modifications).